The following is an entry in ClinVar:

ClinVar aggregate classification (germline): Benign. Review status: criteria provided, multiple submitters, no conflicts (2 of 4 stars). 3 submissions from 3 submitters: Benign (2). 1 of the submissions does not count toward it. Last evaluated 2018-11-11.

Conditions:
FABP2 POLYMORPHISM.

Allele frequency attached by ClinVar (database versions not stated): gnomAD exomes 0.72580 and 0.73325; ExAC 0.72606; 1000 Genomes Project 0.74661; 1000 Genomes Project 30x 0.74750; gnomAD 0.74043 and 0.74141; TOPMed 0.74571.
gnomAD v4.1: 1,177,841 of 1,604,502 alleles (73%); highest among the groups gnomAD compares: African/African-American, 77%; 433,114 homozygotes.

Submissions (3):

GeneDx
Classification: Benign. Last evaluated: 2018-11-11. Review status: criteria provided, single submitter. Criteria: GeneDx Variant Classification Process June 2021. Collection method: clinical testing. Allele origin: germline. Affected: yes.
Comment: This variant is associated with the following publications: (PMID: 7883976, 20621703, 20047744, 19288030, 17209184, 20202768, 22838187, 19689066, 19361803, 21861348, 19384318, 14666368, 19475463, 23817228, 20329566, 21079390, 18824579, 19439328, 20484485, 11487582)

Breakthrough Genomics
Classification: Benign. Review status: criteria provided, single submitter. Criteria: ACMG Guidelines, 2015. Collection method: not provided. Allele origin: germline. Inheritance: Unknown mechanism. Affected: yes.

OMIM
Classification: Benign for FABP2 POLYMORPHISM. Last evaluated: 2005-02-01. Review status: no assertion criteria provided. Collection method: literature only. Allele origin: germline. Not counted in ClinVar's aggregate classification.

Literature cited by the submitters: PubMed 7883976 (cited by OMIM); PubMed 9253345 (cited by OMIM); PubMed 10946885 (cited by OMIM); PubMed 10999802 (cited by OMIM); PubMed 12161503 (cited by OMIM); PubMed 15572430 (cited by OMIM); PubMed 14666368 (cited by OMIM).

NM_000134.4(FABP2):c.163A>G (p.Thr55Ala)

Gene: FABP2 (fatty acid binding protein 2; minus strand). Cytogenetic location: 4q26.
Variant type: single nucleotide variant.
Coding change: c.163A>G on transcript NM_000134.4 (MANE Select); coding-DNA position 163, A replaced by G.
Protein change: p.Thr55Ala; replaces threonine 55 with alanine.
Molecular consequence: missense variant.
Genome position (GRCh38, 1-based): chr4:119,320,747, T>C on the plus strand (A>G on the coding strand, the complement: FABP2 is on the minus strand). VCF-style: chr4-119320747-T-C. GRCh37 (hg19) VCF-style: chr4-120241902-T-C.
Other names: A54T; short protein forms T55A.
Identifiers: ClinVar variation 16494 (VCV000016494.5), dbSNP rs1799883, ClinGen allele CA126561.